The following is an entry in ClinVar:

ClinVar aggregate classification (germline): Uncertain significance. Review status: criteria provided, multiple submitters, no conflicts (2 of 4 stars). 2 submissions from 2 submitters: Uncertain significance (2). Last evaluated 2022-07-19.

gnomAD v4.1: 9 of 1,613,934 alleles (0.00056%); highest among the groups gnomAD compares: African/African-American, 0.004%; no homozygotes.

Submissions (2):

Labcorp Genetics (formerly Invitae), Labcorp
Classification: Uncertain significance. Last evaluated: 2022-07-19. Review status: criteria provided, single submitter. Criteria: Invitae Variant Classification Sherloc (09022015). Collection method: clinical testing. Allele origin: germline.
Comment: In summary, the available evidence is currently insufficient to determine the role of this variant in disease. Therefore, it has been classified as a Variant of Uncertain Significance. Advanced modeling of protein sequence and biophysical properties (such as structural, functional, and spatial information, amino acid conservation, physicochemical variation, residue mobility, and thermodynamic stability) performed at Invitae indicates that this missense variant is not expected to disrupt CDHR1 protein function. ClinVar contains an entry for this variant (Variation ID: 1491580). This variant has not been reported in the literature in individuals affected with CDHR1-related conditions. This variant is present in population databases (rs755548090, gnomAD 0.004%). This sequence change replaces isoleucine, which is neutral and non-polar, with threonine, which is neutral and polar, at codon 753 of the CDHR1 protein (p.Ile753Thr).

Blueprint Genetics
Classification: Uncertain significance. Last evaluated: 2019-05-03. Review status: criteria provided, single submitter. Criteria: ACMG Guidelines, 2015. Collection method: clinical testing. Allele origin: germline.

NM_033100.4(CDHR1):c.2258T>C (p.Ile753Thr)

Gene: CDHR1 (cadherin related family member 1; plus strand). Cytogenetic location: 10q23.1.
Variant type: single nucleotide variant.
Coding change: c.2258T>C on transcript NM_033100.4 (MANE Select); coding-DNA position 2258, T replaced by C.
Protein change: p.Ile753Thr; replaces isoleucine 753 with threonine.
Molecular consequence: missense variant. On other transcripts: intron variant (1).
Genome position (GRCh38, 1-based): chr10:84,214,299, T>C. VCF-style: chr10-84214299-T-C. GRCh37 (hg19) VCF-style: chr10-85974055-T-C.
Other names: c.2040+951T>C (NM_001171971.3); short protein forms I753T.
Identifiers: ClinVar variation 1491580 (VCV001491580.7), dbSNP rs755548090, ClinGen allele CA5580187.
Genomic context (GRCh38, chr10:84,214,299, plus strand): 5'-TCCTGCCAATGCGGCGGGTGCTCCGCAAGCGGCCCAGCCCTGCGCCCCGCACCATCCGCA[T>C]TGAGTGGCTCAAGTCCAAGAGCACCAAAGCCGCTACCAAGTTCATGCTCAAAGAGAAACC-3'
Protein context (NP_149091.1, residues 743-763): RPSPAPRTIR[Ile753Thr]EWLKSKSTKA